The following is an entry in ClinVar:

NM_002539.3(ODC1):c.963C>T (p.Gly321=)

Gene: ODC1 (ornithine decarboxylase 1; minus strand). Cytogenetic location: 2p25.1.
Variant type: single nucleotide variant.
Coding change: c.963C>T on transcript NM_002539.3 (MANE Select); coding-DNA position 963, C replaced by T.
Protein change: p.Gly321=; no amino-acid change (glycine 321 retained).
Molecular consequence: synonymous variant.
Genome position (GRCh38, 1-based): chr2:10,441,880, G>A on the plus strand (C>T on the coding strand, the complement: ODC1 is on the minus strand). VCF-style: chr2-10441880-G-A. GRCh37 (hg19) VCF-style: chr2-10582006-G-A.
Other names: c.576C>T, p.Gly192= (NM_001287188.2); c.963C>T, p.Gly321= (NM_001287189.2, NM_001287190.2).
Identifiers: ClinVar variation 4821196 (VCV004821196.4).

ClinVar aggregate classification (germline): Likely benign (1 of 4 stars; one submission).

gnomAD v4.1: 865 of 1,614,052 alleles (0.054%); highest among the groups gnomAD compares: South Asian, 0.75%; 7 homozygotes.

Submission:

CeGaT Center for Human Genetics Tuebingen
Classification: Likely benign. Last evaluated: 2026-02-01. Review status: criteria provided, single submitter. Criteria: CeGaT Center For Human Genetics Tuebingen Variant Classification Criteria Version 2. Collection method: clinical testing. Allele origin: germline. Affected: yes. Observed: 1 variant allele.
Comment: ODC1: BP4, BP7